The following is an entry in ClinVar:

NM_001005242.3(PKP2):c.795_811dup (p.Val271fs)

Gene: PKP2 (plakophilin 2; minus strand). Cytogenetic location: 12p11.21.
Variant type: Duplication.
Coding change: c.795_811dup on transcript NM_001005242.3 (MANE Select); coding-DNA positions 795 to 811, 17 bases duplicated (GCTCACTGTCGGGCAGG).
Protein change: p.Val271fs; shifts the reading frame from valine 271.
Molecular consequence: frameshift variant.
Genome position (GRCh38, 1-based): chr12:32,878,069-32,878,085, CCTGCCCGACAGTGAGC duplicated on the plus strand (GCTCACTGTCGGGCAGG on the coding strand, the reverse complement: PKP2 is on the minus strand); duplicating any 17 consecutive bases within chr12:32,878,069-32,878,091 gives the same sequence; the c. name uses the placement nearest the transcript's 3' end. VCF-style (leftmost placement, unchanged base first): chr12-32878068-A-ACCTGCCCGACAGTGAGC. GRCh37 (hg19) VCF-style: chr12-33031002-A-ACCTGCCCGACAGTGAGC.
Other names: c.795_811dupGCTCACTGTCGGGCAGG (NM_004572.3); c.795_811dup, p.Val271fs (NM_004572.4); short protein forms V271fs.
Identifiers: ClinVar variation 518538 (VCV000518538.6), dbSNP rs1555148090, ClinGen allele CA658797866.

ClinVar aggregate classification (germline): Pathogenic (1 of 4 stars; one submission).

Conditions:
Cardiovascular phenotype. Identifiers: MedGen CN230736.

Submission:

Ambry Genetics
Classification: Pathogenic for Cardiovascular phenotype. Last evaluated: 2025-10-24. Review status: criteria provided, single submitter. Criteria: Ambry Variant Classification Scheme 2023. Collection method: clinical testing. Allele origin: germline.
Comment: The c.795_811dup17 variant, located in coding exon 3 of the PKP2 gene, results from a duplication of GCTCACTGTCGGGCAGG at nucleotide position 795, causing a translational frameshift with a predicted alternate stop codon (p.V271Gfs*37). This variant is considered to be rare based on population cohorts in the Genome Aggregation Database (gnomAD). This alteration is expected to result in loss of function by premature protein truncation or nonsense-mediated mRNA decay. As such, this alteration is interpreted as a disease-causing mutation.